The following is an entry in ClinVar:

ClinVar aggregate classification (germline): Uncertain significance. Review status: criteria provided, multiple submitters, no conflicts (2 of 4 stars). 2 submissions from 2 submitters: Uncertain significance (2). Last evaluated 2025-07-15.

Conditions:
Inborn genetic diseases. Identifiers: MedGen C0950123, MeSH D030342.

Allele frequency attached by ClinVar (database versions not stated): gnomAD exomes below 0.00001; ExAC 0.00001; gnomAD 0.00001; TOPMed 0.00001.
gnomAD v4.1: 12 of 1,601,876 alleles (0.00075%); highest among the groups gnomAD compares: Non-Finnish European, 0.001%; no homozygotes.

Submissions (2):

Ambry Genetics
Classification: Uncertain significance for Inborn genetic diseases. Last evaluated: 2025-07-15. Review status: criteria provided, single submitter. Criteria: Ambry Variant Classification Scheme 2023. Collection method: clinical testing. Allele origin: germline.

Labcorp Genetics (formerly Invitae), Labcorp
Classification: Uncertain significance. Last evaluated: 2021-06-13. Review status: criteria provided, single submitter. Criteria: Invitae Variant Classification Sherloc (09022015). Collection method: clinical testing. Allele origin: germline.
Comment: This variant is present in population databases (rs750973969, ExAC 0.002%). In summary, the available evidence is currently insufficient to determine the role of this variant in disease. Therefore, it has been classified as a Variant of Uncertain Significance. Advanced modeling of protein sequence and biophysical properties (such as structural, functional, and spatial information, amino acid conservation, physicochemical variation, residue mobility, and thermodynamic stability) performed at Invitae indicates that this missense variant is not expected to disrupt EIF2AK4 protein function. This variant has not been reported in the literature in individuals with EIF2AK4-related conditions. This sequence change replaces isoleucine with valine at codon 704 of the EIF2AK4 protein (p.Ile704Val). The isoleucine residue is weakly conserved and there is a small physicochemical difference between isoleucine and valine.

NM_001013703.4(EIF2AK4):c.2110A>G (p.Ile704Val)

Gene: EIF2AK4 (eukaryotic translation initiation factor 2 alpha kinase 4; plus strand). Cytogenetic location: 15q15.1.
Variant type: single nucleotide variant.
Coding change: c.2110A>G on transcript NM_001013703.4 (MANE Select); coding-DNA position 2110, A replaced by G.
Protein change: p.Ile704Val; replaces isoleucine 704 with valine.
Molecular consequence: missense variant.
Genome position (GRCh38, 1-based): chr15:39,976,705, A>G. VCF-style: chr15-39976705-A-G. GRCh37 (hg19) VCF-style: chr15-40268906-A-G.
Other names: c.2110A>G (NM_001013703.2); short protein forms I704V.
Identifiers: ClinVar variation 1430077 (VCV001430077.9), dbSNP rs750973969, ClinGen allele CA7473923.